The following is an entry in ClinVar:

ClinVar aggregate classification (germline): Pathogenic (1 of 4 stars; one submission).

Conditions:
Familial adenomatous polyposis 1 (FAP1). Also called: FAMILIAL ADENOMATOUS POLYPOSIS 1, ATTENUATED; POLYPOSIS, ADENOMATOUS INTESTINAL. Identifiers: MedGen C2713442, MONDO:0021056, OMIM 175100. Disease mechanism: loss of function.

Submission:

Labcorp Genetics (formerly Invitae), Labcorp
Classification: Pathogenic for Familial adenomatous polyposis 1. Last evaluated: 2025-08-25. Review status: criteria provided, single submitter. Criteria: Invitae Variant Classification Sherloc (09022015). Collection method: clinical testing. Allele origin: germline.
Comment: This sequence change creates a premature translational stop signal (p.Gly2325Glufs*11) in the APC gene. While this is not anticipated to result in nonsense mediated decay, it is expected to disrupt the last 519 amino acid(s) of the APC protein. This variant is not present in population databases (gnomAD no frequency). This variant has not been reported in the literature in individuals affected with APC-related conditions. This variant is expected to disrupt the EB1 and HDLG binding sites, which mediate interactions with the cytoskeleton (PMID: 15311282, 17293347). While functional studies have not been performed to directly test the effect on APC protein function, this suggests that disruption of the C-terminal portion of the protein is functionally important. A different truncation (p.Tyr2645Lysfs*14) that lies downstream of this variant has been determined to be pathogenic (PMID: 9824584, 1316610, 27081525, 8381579, 22135120, internal data). This suggests that deletion of this region of the APC protein is causative of disease. For these reasons, this variant has been classified as Pathogenic.

Literature cited by the submitters: PubMed 15311282; PubMed 17293347; PubMed 9824584; PubMed 1316610; PubMed 27081525; PubMed 8381579; PubMed 22135120.

NM_000038.6(APC):c.6974_6977del (p.Gly2325fs)

Gene: APC (APC regulator of Wnt signaling pathway; plus strand). Cytogenetic location: 5q22.2.
Variant type: Deletion.
Coding change: c.6974_6977del on transcript NM_000038.6 (MANE Select); coding-DNA positions 6974 to 6977, 4 bases deleted (GCCG; older notation c.6974_6977delGCCG).
Protein change: p.Gly2325fs; shifts the reading frame from glycine 2325.
Molecular consequence: frameshift variant. On other transcripts: non-coding transcript variant (2).
Genome position (GRCh38, 1-based): chr5:112,842,568-112,842,571, GCCG deleted; deleting any 4 consecutive bases within chr5:112,842,567-112,842,571 gives the same sequence; the c. name uses the placement nearest the transcript's 3' end. VCF-style (leftmost placement, unchanged base first): chr5-112842566-TGGCC-T. GRCh37 (hg19) VCF-style: chr5-112178263-TGGCC-T.
Other names: c.6953_6956del, p.Gly2318fs (NM_001407451.1); c.6944_6947del, p.Gly2315fs (NM_001407452.1); c.6797_6800del, p.Gly2266fs (NM_001407453.1, NM_001354901.2); c.6725_6728del, p.Gly2242fs (NM_001407454.1, NM_001407456.1, NM_001407457.1 and 1 more transcripts); c.6671_6674del, p.Gly2224fs (NM_001407459.1, NM_001407458.1, NM_001354903.2 and 1 more transcripts); c.6974_6977del, p.Gly2325fs (NM_001127510.3, NM_001354895.2, NM_001407450.1); c.6920_6923del, p.Gly2307fs (NM_001127511.3); c.7028_7031del, p.Gly2343fs (NM_001354896.2, NM_001407447.1, NM_001407448.1 and 1 more transcripts); and 11 more; short protein forms G2165fs, G2242fs, G2266fs, G2300fs, G2315fs, G2318fs, G2343fs, G2042fs.
Identifiers: ClinVar variation 4725998 (VCV004725998.1).